The following is an entry in ClinVar:

NM_001364905.1(LRBA):c.6941T>A (p.Phe2314Tyr)

Gene: LRBA (LPS responsive beige-like anchor protein; minus strand). Cytogenetic location: 4q31.3.
Variant type: single nucleotide variant.
Coding change: c.6941T>A on transcript NM_001364905.1 (MANE Select); coding-DNA position 6941, T replaced by A.
Protein change: p.Phe2314Tyr; replaces phenylalanine 2314 with tyrosine.
Molecular consequence: missense variant.
Genome position (GRCh38, 1-based): chr4:150,435,689, A>T on the plus strand (T>A on the coding strand, the complement: LRBA is on the minus strand). VCF-style: chr4-150435689-A-T. GRCh37 (hg19) VCF-style: chr4-151356841-A-T.
Other names: c.6941T>A, p.Phe2314Tyr (NM_001199282.3, NM_001367550.1); c.6974T>A, p.Phe2325Tyr (NM_006726.5); short protein forms F2314Y, F2325Y.
Identifiers: ClinVar variation 1008123 (VCV001008123.9), dbSNP rs753022785, ClinGen allele CA3101769.

ClinVar aggregate classification (germline): Uncertain significance. Review status: criteria provided, multiple submitters, no conflicts (2 of 4 stars). 2 submissions from 2 submitters: Uncertain significance (2). Last evaluated 2024-07-07.

Conditions:
Combined immunodeficiency due to LRBA deficiency. Also called: Common variable immunodeficiency 8, with autoimmunity. Identifiers: Orphanet 445018, MedGen C3553512, MONDO:0013863, OMIM 614700.
Inborn genetic diseases. Identifiers: MedGen C0950123, MeSH D030342.

Allele frequency attached by ClinVar (database versions not stated): ExAC 0.00001; gnomAD 0.00001; gnomAD exomes 0.00001.
gnomAD v4.1: 6 of 1,610,548 alleles (0.00037%); highest among the groups gnomAD compares: Middle Eastern, 0.017%; no homozygotes.

Submissions (2):

Ambry Genetics
Classification: Uncertain significance for Inborn genetic diseases. Last evaluated: 2024-07-07. Review status: criteria provided, single submitter. Criteria: Ambry Variant Classification Scheme 2023. Collection method: clinical testing. Allele origin: germline.

Labcorp Genetics (formerly Invitae), Labcorp
Classification: Uncertain significance for Combined immunodeficiency due to LRBA deficiency. Last evaluated: 2021-01-08. Review status: criteria provided, single submitter. Criteria: Invitae Variant Classification Sherloc (09022015). Collection method: clinical testing. Allele origin: germline.
Comment: This sequence change replaces phenylalanine with tyrosine at codon 2325 of the LRBA protein (p.Phe2325Tyr). The phenylalanine residue is moderately conserved and there is a small physicochemical difference between phenylalanine and tyrosine. This variant is present in population databases (rs753022785, ExAC 0.002%). This variant has not been reported in the literature in individuals with LRBA-related conditions. Algorithms developed to predict the effect of missense changes on protein structure and function are either unavailable or do not agree on the potential impact of this missense change (SIFT: "Deleterious"; PolyPhen-2: "Probably Damaging"; Align-GVGD: "Class C0"). In summary, the available evidence is currently insufficient to determine the role of this variant in disease. Therefore, it has been classified as a Variant of Uncertain Significance.